The following is an entry in ClinVar:

ClinVar aggregate classification (germline): Likely benign (1 of 4 stars; one submission).

Submission:

CeGaT Center for Human Genetics Tuebingen
Classification: Likely benign. Last evaluated: 2024-12-01. Review status: criteria provided, single submitter. Criteria: CeGaT Center For Human Genetics Tuebingen Variant Classification Criteria Version 2. Collection method: clinical testing. Allele origin: germline. Affected: yes. Observed: 1 variant allele.
Comment: ARHGEF1: PM2:Supporting, BP4, BP7

NM_004706.4(ARHGEF1):c.627T>C (p.Ser209=)

Gene: ARHGEF1 (Rho guanine nucleotide exchange factor 1; plus strand). Cytogenetic location: 19q13.2.
Variant type: single nucleotide variant.
Coding change: c.627T>C on transcript NM_004706.4 (MANE Select); coding-DNA position 627, T replaced by C.
Protein change: p.Ser209=; no amino-acid change (serine 209 retained).
Molecular consequence: synonymous variant. On other transcripts: non-coding transcript variant (2).
Genome position (GRCh38, 1-based): chr19:41,893,286, T>C. VCF-style: chr19-41893286-T-C. GRCh37 (hg19) VCF-style: chr19-42397357-T-C.
Other names: c.627T>C, p.Ser209= (NM_001396000.1, NM_001396003.1, NM_001396006.1); c.528T>C, p.Ser176= (NM_001396002.1, NM_001396004.1, NM_198977.2); c.672T>C, p.Ser224= (NM_199002.2).
Identifiers: ClinVar variation 3772134 (VCV003772134.13).